The following is an entry in ClinVar:

ClinVar aggregate classification (germline): Likely benign. Review status: reviewed by expert panel (3 of 4 stars). 5 submissions from 5 submitters: Likely benign (1). 4 of the submissions do not count toward it. Last evaluated 2017-06-29.

Conditions:
Breast and/or ovarian cancer. Identifiers: MedGen CN221562.
Hereditary cancer-predisposing syndrome. Also called: Tumor predisposition; Hereditary Cancer Syndrome; Hereditary neoplastic syndrome; Neoplastic Syndromes, Hereditary. Identifiers: Orphanet 140162, MedGen C0027672, MeSH D009386, MONDO:0015356.
Hereditary breast ovarian cancer syndrome. Also called: Breast and ovarian cancer; Hereditary breast and ovarian cancer syndrome; Hereditary breast and ovarian cancer; BRCA1- and BRCA2-Associated Hereditary Breast and Ovarian Cancer; Hereditary breast and ovarian cancer syndrome (HBOC); Hereditary breast and/or ovarian cancer syndrome. Identifiers: Orphanet 145, MedGen C0677776, MeSH D061325, MONDO:0003582. Disease mechanism: loss of function.
Breast-ovarian cancer, familial, susceptibility to, 2 (BROVCA2). Also called: BRCA2 Hereditary Breast and Ovarian Cancer. Identifiers: Orphanet 145, MedGen C2675520, MONDO:0012933, OMIM 612555. Disease mechanism: loss of function.

Submissions (5):

Evidence-based Network for the Interpretation of Germline Mutant Alleles (ENIGMA)
Classification: Likely benign for Breast-ovarian cancer, familial, susceptibility to, 2. Last evaluated: 2017-06-29. Review status: reviewed by expert panel. Criteria: ENIGMA BRCA1/2 Classification Criteria (2017-06-29). Collection method: curation. Allele origin: germline.
Comment: Synonymous substitution variant, with low bioinformatic likelihood to result in a splicing aberration (Splicing prior probability 0.02).

Labcorp Genetics (formerly Invitae), Labcorp
Classification: Likely benign for Hereditary breast ovarian cancer syndrome. Last evaluated: 2025-09-08. Review status: criteria provided, single submitter. Criteria: Invitae Variant Classification Sherloc (09022015). Collection method: clinical testing. Allele origin: germline. Not counted in ClinVar's aggregate classification.

Center for Genomic Medicine, Rigshospitalet, Copenhagen University Hospital
Classification: Likely benign. Last evaluated: 2025-03-04. Review status: criteria provided, single submitter. Criteria: ACMG Guidelines, 2015. Collection method: clinical testing. Allele origin: germline. Not counted in ClinVar's aggregate classification.

CHEO Genetics Diagnostic Laboratory, Children's Hospital of Eastern Ontario
Classification: Likely benign for Breast and/or ovarian cancer. Last evaluated: 2023-05-24. Review status: criteria provided, single submitter. Criteria: ACMG Guidelines, 2015. Collection method: clinical testing. Allele origin: germline. Not counted in ClinVar's aggregate classification.

Ambry Genetics
Classification: Likely benign for Hereditary cancer-predisposing syndrome. Last evaluated: 2014-08-14. Review status: criteria provided, single submitter. Criteria: Ambry Variant Classification Scheme 2023. Collection method: clinical testing. Allele origin: germline. Not counted in ClinVar's aggregate classification.

NM_000059.4(BRCA2):c.8562T>C (p.Tyr2854=)

Gene: BRCA2 (BRCA2 DNA repair associated; plus strand). Cytogenetic location: 13q13.1.
Variant type: single nucleotide variant.
Coding change: c.8562T>C on transcript NM_000059.4 (MANE Select); coding-DNA position 8562, T replaced by C.
Protein change: p.Tyr2854=; no amino-acid change (tyrosine 2854 retained).
Molecular consequence: synonymous variant.
Genome position (GRCh38, 1-based): chr13:32,371,030, T>C. VCF-style: chr13-32371030-T-C. GRCh37 (hg19) VCF-style: chr13-32945167-T-C.
Identifiers: ClinVar variation 184202 (VCV000184202.22), dbSNP rs786201333, ClinGen allele CA025710.
Genomic context (GRCh38, chr13:32,371,030, plus strand): 5'-ATCATCTGGATTATACATATTTCGCAATGAAAGAGAGGAAGAAAAGGAAGCAGCAAAATA[T>C]GTGGAGGCCCAACAAAAGAGACTAGAAGCCTTATTCACTAAAATTCAGGAGGAATTTGAA-3'
Protein context (NP_000050.3, residues 2844-2864): EREEEKEAAK[Tyr2854=]VEAQQKRLEA